The following is an entry in ClinVar:

NM_000751.2(CHRND):c.73G>T

Gene: CHRND (cholinergic receptor nicotinic delta subunit; plus strand). Cytogenetic location: 2q37.1.
Variant type: single nucleotide variant.
Coding change: c.73G>T on transcript NM_000751.2; coding-DNA position 73, G replaced by T.
Molecular consequence: nonsense (on NM_000751.3). On other transcripts: 5 prime UTR variant (2).
Genome position (GRCh38, 1-based): chr2:232,526,549, G>T. VCF-style: chr2-232526549-G-T. GRCh37 (hg19) VCF-style: chr2-233391259-G-T.
Other names: c.73G>T, p.Glu25Ter (NM_000751.3, NM_001256657.2); c.-199G>T (NM_001311195.2, NM_001311196.2); short protein forms E25*.
Identifiers: ClinVar variation 242639 (VCV000242639.3), dbSNP rs797044480.

ClinVar aggregate classification (germline): Likely pathogenic (1 of 4 stars; one submission).

Conditions:
Lethal multiple pterygium syndrome (LMPS). Identifiers: Orphanet 33108, MedGen C1854678, MONDO:0009668, OMIM 253290.
Congenital myasthenic syndrome 3B (CMS3B). Also called: Myasthenic syndrome, congenital, 3B, fast-channel. Identifiers: Orphanet 590, MedGen C4225371, MONDO:0014584, OMIM 616322.
Congenital myasthenic syndrome 3C. Also called: Myasthenic syndrome, congenital, 3c, associated with acetylcholine receptor deficiency. Identifiers: Orphanet 590, MedGen C4225370, MONDO:0014585, OMIM 616323.
Congenital myasthenic syndrome 3A. Also called: Myasthenic syndrome, congenital, 3a, slow-channel. Identifiers: Orphanet 590, MedGen C4225372, MONDO:0014583, OMIM 616321.

Allele frequency attached by ClinVar (database versions not stated): TOPMed 0.00001.

Submission:

Juno Genomics, Hangzhou Juno Genomics, Inc
Classification: Likely pathogenic for Congenital myasthenic syndrome 3A; Congenital myasthenic syndrome 3C; Lethal multiple pterygium syndrome; Congenital myasthenic syndrome 3B. Review status: criteria provided, single submitter. Criteria: ACMG Guidelines, 2015. Collection method: clinical testing. Allele origin: germline.
Comment: Absent from controls (or at extremely low frequency if recessive) in Genome Aggregation Database.;Null variant in a gene where loss of function (LOF) is a known mechanism of disease.